The following is an entry in ClinVar:

NM_000843.4(GRM6):c.1576G>T (p.Glu526Ter)

Genes: GRM6 (glutamate metabotropic receptor 6; minus strand), ZNF454 (zinc finger protein 454; plus strand). Cytogenetic location: 5q35.3.
Variant type: single nucleotide variant.
Coding change: c.1576G>T on transcript NM_000843.4 (MANE Select); coding-DNA position 1576, G replaced by T.
Protein change: p.Glu526Ter; replaces glutamic acid 526 with a stop codon.
Molecular consequence: nonsense.
Genome position (GRCh38, 1-based): chr5:178,986,678, C>A on the plus strand (G>T on the coding strand, the complement: GRM6 is on the minus strand). VCF-style: chr5-178986678-C-A. GRCh37 (hg19) VCF-style: chr5-178413679-C-A.
Other names: short protein forms E526*.
Identifiers: ClinVar variation 2048110 (VCV002048110.4), dbSNP rs767670928, ClinGen allele CA362427933.
Genomic context (GRCh38, chr5:178,986,678, plus strand): 5'-ACCCGTCACAGGCCTCGCAGTGCCAACAGCAGGGGACGCCCTTCACCATCTTCTTCCGCT[C>A]CCCCGGCCCGCAGGGCAGGCTGCACAGAGACGAGGGCACCTCGTGGGGGTCGCCAGACCA-3'

ClinVar aggregate classification (germline): Pathogenic (1 of 4 stars; one submission).

Submission:

Labcorp Genetics (formerly Invitae), Labcorp
Classification: Pathogenic. Last evaluated: 2022-03-26. Review status: criteria provided, single submitter. Criteria: Invitae Variant Classification Sherloc (09022015). Collection method: clinical testing. Allele origin: germline.
Comment: This variant has not been reported in the literature in individuals affected with GRM6-related conditions. For these reasons, this variant has been classified as Pathogenic. This variant is not present in population databases (gnomAD no frequency). This sequence change creates a premature translational stop signal (p.Glu526*) in the GRM6 gene. It is expected to result in an absent or disrupted protein product. Loss-of-function variants in GRM6 are known to be pathogenic (PMID: 15781871, 16622103, 22008250).

Literature cited by the submitters: PubMed 15781871; PubMed 16622103; PubMed 22008250.